The following is an entry in ClinVar:

ClinVar aggregate classification (germline): Uncertain significance. Review status: criteria provided, multiple submitters, no conflicts (2 of 4 stars). 20 submissions from 20 submitters: Uncertain significance (18). 2 of the submissions do not count toward it. Last evaluated 2026-09-14.

Conditions:
ATM-related disorder. Also called: ATM-related disorders; ATM-related condition.
ATM-related cancer predisposition. Also called: ATM-related cancer susceptibility. Identifiers: MedGen CN377759, MONDO:0700270.
Hereditary cancer-predisposing syndrome. Also called: Hereditary Cancer Syndrome; Tumor predisposition; Neoplastic Syndromes, Hereditary; Hereditary neoplastic syndrome. Identifiers: Orphanet 140162, MedGen C0027672, MeSH D009386, MONDO:0015356.
Familial cancer of breast. Also called: hereditary breast carcinoma; BREAST CANCER, FAMILIAL; Hereditary breast cancer. Identifiers: Orphanet 227535, MedGen C0346153, MONDO:0016419, OMIM 114480. Disease mechanism: loss of function.
Ataxia-telangiectasia syndrome (AT). Also called: ATAXIA-TELANGIECTASIA, COMPLEMENTATION GROUP A; ATAXIA-TELANGIECTASIA, FRESNO VARIANT; Ataxia-telangiectasia; Ataxia-telangiectasia, complementation group E; Cerebello-oculocutaneous telangiectasia; Immunodeficiency with ataxia telangiectasia. Identifiers: Orphanet 100, MedGen C0004135, MONDO:0008840, OMIM 208900.

Allele frequency attached by ClinVar (database versions not stated): TOPMed 0.00003.
gnomAD v4.1: 33 of 1,614,040 alleles (0.002%); highest among the groups gnomAD compares: Admixed American, 0.01%; no homozygotes.

Submissions 1 to 6 of 20:

Hema, HEMA – Genetic and Molecular Diagnostic Laboratory
Classification: Uncertain significance for ATM-related cancer predisposition. Last evaluated: 2026-09-14. Review status: criteria provided, single submitter. Criteria: HEMA Variant Classification Assertion Criteria. Collection method: clinical testing. Allele origin: germline.
Comment: The c.7375C>G (p.Arg2459Gly) variant is a transversion from cytosine to guanine, resulting in the substitution of arginine 2459 of the ATM protein with glycine. PP3: The score of the computational metapredictor REVEL = 0.752 ≥ 0.644, indicating that the variant would affect the function of the ATM protein.

Labcorp Genetics (formerly Invitae), Labcorp
Classification: Uncertain significance for Ataxia-telangiectasia syndrome. Last evaluated: 2026-01-26. Review status: criteria provided, single submitter. Criteria: Invitae Variant Classification Sherloc (09022015). Collection method: clinical testing. Allele origin: germline.
Comment: This sequence change replaces arginine, which is basic and polar, with glycine, which is neutral and non-polar, at codon 2459 of the ATM protein (p.Arg2459Gly). This variant is present in population databases (rs730881383, gnomAD 0.006%). This missense change has been observed in individual(s) with ataxia telangiectasia, breast cancer, colorectal cancer, and/or ovarian cancer (PMID: 21665257, 24448499, 26689913, 27067391, 28135145, 29752822, 32986223, 35534704). ClinVar contains an entry for this variant (Variation ID: 181982). Invitae Evidence Modeling of protein sequence and biophysical properties (such as structural, functional, and spatial information, amino acid conservation, physicochemical variation, residue mobility, and thermodynamic stability) has been performed for this missense variant. However, the output from this modeling did not meet the statistical confidence thresholds required to predict the impact of this variant on ATM protein function. RNA analysis performed to evaluate the impact of this missense change on mRNA splicing indicates it does not significantly alter splicing (internal data). In summary, the available evidence is currently insufficient to determine the role of this variant in disease. Therefore, it has been classified as a Variant of Uncertain Significance.

PreventionGenetics, part of Exact Sciences
Classification: Uncertain significance for ATM-related condition. Last evaluated: 2025-12-16. Review status: criteria provided, single submitter. Criteria: ACMG Guidelines, 2015. Collection method: clinical testing. Allele origin: germline.
Comment: The ATM c.7375C>G variant is predicted to result in the amino acid substitution p.Arg2459Gly. This variant has been reported in individuals with breast and/or ovarian cancer (Kanchi et al. 2014. PubMed ID: 24448499; Lu et al. 2015. PubMed ID: 26689913; Table 1, Cortes-Urrea et al. 2020. PubMed ID: 32365829; Table 2, Gomes et al. 2021. PubMed ID: 33128190; Table 3, Feliubadaló et al. 2021. PubMed ID: 33280026). This variant was also observed in an individual who had indications of neurofibromatosis, but was predicted to have a neutral effect (Castellanos et al. 2017. PubMed ID: 28051113). It was also detected in an individual with colorectal cancer and classified as a variant of uncertain significance (Table A4, Yurgelun et al. 2017. PubMed ID: 28135145). This variant is reported in 0.0087% of alleles in individuals of Latino descent in gnomAD, and it is interpreted as a variant of uncertain significance in ClinVar (Variation ID: 181982). At this time, the clinical significance of this variant is uncertain due to the absence of conclusive functional and genetic evidence.

Women's Health and Genetics/Laboratory Corporation of America, LabCorp
Classification: Uncertain significance. Last evaluated: 2025-12-16. Review status: criteria provided, single submitter. Criteria: LabCorp Variant Classification Summary - May 2015. Collection method: clinical testing. Allele origin: germline.
Comment: Variant summary: ATM c.7375C>G (p.Arg2459Gly) results in a non-conservative amino acid change located in the PIK-related kinase, FAT domain (IPR003151) of the encoded protein sequence. Algorithms developed to predict the effect of missense changes on protein structure and function all suggest that this variant is likely to be disruptive. The variant allele was found at a frequency of 2e-05 in 251258 control chromosomes. The available data on variant occurrences in the general population are insufficient to allow any conclusion about variant significance. c.7375C>G has been observed in individual(s) affected with ovarian cancer, colorectal cancer, and breast cancer and ataxia telangiectasia without strong evidence for causality (Bandeira_2021, Gomes_2020, Kanchi_2014, Karlsson_2021, Yurgelun_2017, Micol_2011, Ribeiro_2025). These report(s) do not provide unequivocal conclusions about association of the variant with Ataxia-telangiectasia syndrome. Co-occurrences with other pathogenic variant(s) have been reported (ATM c.5644C>T, p.(Arg1882*)) (Bhai_2021), providing supporting evidence for a benign role. To our knowledge, no experimental evidence demonstrating an impact on protein function has been reported. The following publications have been ascertained in the context of this evaluation (PMID: 32986223, 34326862, 33128190, 24448499, 33436325, 21665257, 41023008, 28135145). ClinVar contains an entry for this variant (Variation ID: 181982). Based on the evidence outlined above, the variant was classified as VUS-possibly benign.

Ambry Genetics
Classification: Uncertain significance for Hereditary cancer-predisposing syndrome. Last evaluated: 2025-05-21. Review status: criteria provided, single submitter. Criteria: Ambry Variant Classification Scheme 2023. Collection method: clinical testing. Allele origin: germline.
Comment: The p.R2459G variant (also known as c.7375C>G), located in coding exon 49 of the ATM gene, results from a C to G substitution at nucleotide position 7375. The arginine at codon 2459 is replaced by glycine, an amino acid with dissimilar properties. This variant has been detected in multiple hereditary cancer cohorts including individuals with breast and/or ovarian cancer, colorectal cancer, prostate cancer and acute lymphoblastic leukemia (Kanchi KL et al. Nat. Commun. 2014;5:3156; Zhang J et al. N Engl J Med, 2015 Dec;373:2336-2346; Mucaki EJ et al. BMC Med Genomics, 2016 Apr;9:19; Yurgelun MB et al. J Clin Oncol, 2017 Apr;35:1086-1095; Gomes R et al. Breast Cancer Res Treat, 2021 Feb;185:851-861; Karlsson Q et al. Eur Urol Oncol, 2021 Aug;4:570-579; Sandoval RL et al. PLoS One, 2021 Feb;16:e0247363; Guindalini RSC et al. Sci Rep, 2022 Mar;12:4190). In one study, this variant was reported in 12/60,466 breast cancer cases but also detected in 5/53,461 healthy controls (Dorling et al. N Engl J Med. 2021 02;384:428-439). This variant has also been detected in a patient with ataxia telangiectasia (AT); however, this patient also carried 2 other mutations in the ATM gene, and the phase (cis or trans) of these alterations was not noted (Micol R et al. J Allergy Clin Immunol, 2011 Aug;128:382-9.e1). This amino acid position is highly conserved in available vertebrate species. In addition, this alteration is predicted to be deleterious by in silico analysis. Based on the available evidence, the clinical significance of this variant remains unclear.

Quest Diagnostics Nichols Institute San Juan Capistrano
Classification: Uncertain significance. Last evaluated: 2025-04-16. Review status: criteria provided, single submitter. Criteria: Quest Diagnostics criteria. Collection method: clinical testing. Allele origin: unknown.

NM_000051.4(ATM):c.7375C>G (p.Arg2459Gly)

Genes: ATM (ATM serine/threonine kinase; plus strand), C11orf65 (chromosome 11 open reading frame 65; minus strand). Cytogenetic location: 11q22.3.
Variant type: single nucleotide variant.
Coding change: c.7375C>G on transcript NM_000051.4 (MANE Select); coding-DNA position 7375, C replaced by G.
Protein change: p.Arg2459Gly; replaces arginine 2459 with glycine.
Molecular consequence: missense variant. On other transcripts: intron variant (2).
Genome position (GRCh38, 1-based): chr11:108,330,281, C>G. VCF-style: chr11-108330281-C-G. GRCh37 (hg19) VCF-style: chr11-108201008-C-G.
Other names: p.R2459G:CGT>GGT; c.7375C>G, p.Arg2459Gly (NM_001351834.2); c.641-21210G>C (NM_001330368.2); c.*38+4939G>C (NM_001351110.2); short protein forms R2459G.
Identifiers: ClinVar variation 181982 (VCV000181982.77), dbSNP rs730881383, ClinGen allele CA298319.
Genomic context (GRCh38, chr11:108,330,281, plus strand): 5'-GTAAAGGTTCAGCGAGAGCTGGAGTTGGATGAATTAGCCCTGCGTGCACTGAAAGAGGAT[C>G]GTAAACGCTTCTTATGTAAAGCAGTTGAAAATTATATCAACTGCTTATTAAGTGGAGAAG-3'
Protein context (NP_000042.3, residues 2449-2469): ELALRALKED[Arg2459Gly]KRFLCKAVEN